The following is an entry in ClinVar:

NM_002474.3(MYH11):c.5879C>A (p.Thr1960Asn)

Genes: MYH11 (myosin heavy chain 11; minus strand), NDE1 (nudE neurodevelopment protein 1; plus strand). Cytogenetic location: 16p13.11.
Variant type: single nucleotide variant.
Coding change: c.5879C>A on transcript NM_002474.3 (MANE Select); coding-DNA position 5879, C replaced by A.
Protein change: p.Thr1960Asn; replaces threonine 1960 with asparagine.
Molecular consequence: missense variant. On other transcripts: 3 prime UTR variant (2), intron variant (2).
Genome position (GRCh38, 1-based): chr16:15,704,031, G>T on the plus strand (C>A on the coding strand, the complement: MYH11 is on the minus strand). VCF-style: chr16-15704031-G-T. GRCh37 (hg19) VCF-style: chr16-15797888-G-T.
Other names: c.*101C>A (NM_001040113.2, NM_022844.3); c.5900C>A, p.Thr1967Asn (NM_001040114.2); c.947+7171G>T (NM_001143979.2, NM_017668.3); short protein forms T1960N, T1967N.
Identifiers: ClinVar variation 1750233 (VCV001750233.2), dbSNP rs1448853511, ClinGen allele CA394843592.

ClinVar aggregate classification (germline): Uncertain significance (1 of 4 stars; one submission).

Conditions:
Familial thoracic aortic aneurysm and aortic dissection (TAAD). Also called: Thoracic aortic aneurysms and dissections. Identifiers: Orphanet 91387, MedGen C4707243, MONDO:0019625.

gnomAD v4.1: 1 of 1,614,118 alleles (0.000062%); highest among the groups gnomAD compares: Non-Finnish European, 0.000085%; no homozygotes.

Submission:

Ambry Genetics
Classification: Uncertain significance for Familial thoracic aortic aneurysm and aortic dissection. Last evaluated: 2021-05-03. Review status: criteria provided, single submitter. Criteria: Ambry Variant Classification Scheme 2023. Collection method: clinical testing. Allele origin: germline.
Comment: The p.T1960N variant (also known as c.5879C>A), located in coding exon 40 of the MYH11 gene, results from a C to A substitution at nucleotide position 5879. The threonine at codon 1960 is replaced by asparagine, an amino acid with similar properties. This amino acid position is poorly conserved in available vertebrate species. In addition, this alteration is predicted to be tolerated by in silico analysis. Since supporting evidence is limited at this time, the clinical significance of this alteration remains unclear.